The following is an entry in ClinVar:

NM_016239.4(MYO15A):c.3023C>G (p.Thr1008Ser)

Gene: MYO15A (myosin XVA; plus strand). Cytogenetic location: 17p11.2.
Variant type: single nucleotide variant.
Coding change: c.3023C>G on transcript NM_016239.4 (MANE Select); coding-DNA position 3023, C replaced by G.
Protein change: p.Thr1008Ser; replaces threonine 1008 with serine.
Molecular consequence: missense variant.
Genome position (GRCh38, 1-based): chr17:18,121,823, C>G. VCF-style: chr17-18121823-C-G. GRCh37 (hg19) VCF-style: chr17-18025137-C-G.
Other names: short protein forms T1008S.
Identifiers: ClinVar variation 287435 (VCV000287435.33), dbSNP rs143316414, ClinGen allele CA8423359.

ClinVar aggregate classification (germline): Conflicting classifications of pathogenicity. Review status: criteria provided, conflicting classifications (1 of 4 stars). 6 submissions from 6 submitters: Uncertain significance (1); Benign (5). Last evaluated 2026-02-01.

Conditions:
Autosomal recessive nonsyndromic hearing loss 3. Also called: NEUROSENSORY NONSYNDROMIC RECESSIVE DEAFNESS 3. Identifiers: Orphanet 90636, MedGen C1838263, MONDO:0010860, OMIM 600316.

Allele frequency attached by ClinVar (database versions not stated): ESP Exome Variant Server 0.00962; gnomAD 0.01117 and 0.01192; 1000 Genomes Project 0.01198; TOPMed 0.01204; 1000 Genomes Project 30x 0.01234.
gnomAD v4.1: 3,275 of 1,612,874 alleles (0.2%); highest among the groups gnomAD compares: African/African-American, 3.9%; 54 homozygotes.

Submissions (6):

Labcorp Genetics (formerly Invitae), Labcorp
Classification: Benign. Last evaluated: 2026-02-01. Review status: criteria provided, single submitter. Criteria: Invitae Variant Classification Sherloc (09022015). Collection method: clinical testing. Allele origin: germline.

ARUP Laboratories, Molecular Genetics and Genomics, ARUP Laboratories
Classification: Benign for Autosomal recessive nonsyndromic hearing loss 3. Last evaluated: 2023-11-22. Review status: criteria provided, single submitter. Criteria: ARUP Molecular Germline Variant Investigation Process 2024. Collection method: clinical testing. Allele origin: germline.

GeneDx
Classification: Benign. Last evaluated: 2018-08-10. Review status: criteria provided, single submitter. Criteria: GeneDx Variant Classification Process June 2021. Collection method: clinical testing. Allele origin: germline. Affected: yes.

Illumina Laboratory Services, Illumina
Classification: Uncertain significance for Autosomal recessive nonsyndromic hearing loss 3. Last evaluated: 2018-01-13. Review status: criteria provided, single submitter. Criteria: ICSL Variant Classification Criteria 13 December 2019. Collection method: clinical testing. Allele origin: germline.

Eurofins Ntd Llc (ga)
Classification: Benign. Last evaluated: 2016-05-03. Review status: criteria provided, single submitter. Criteria: EGL Classification Definitions 2015. Collection method: clinical testing. Allele origin: germline. Observed: 1 variant allele, 1 heterozygote.

Laboratory for Molecular Medicine, Mass General Brigham Personalized Medicine
Classification: Benign. Last evaluated: 2012-04-30. Review status: criteria provided, single submitter. Criteria: LMM Criteria. Collection method: clinical testing. Allele origin: germline. Observed: 4 variant alleles.
Comment: Thr1008Ser in Exon 02 of MYO15A: This variant is not expected to have clinical s ignificance because it has been identified in 3.1% (97/3128) of African American chromosomes from a broad population by the NHLBI Exome Sequencing Project (dbSNP rs143316414).